The following is an entry in ClinVar:

ClinVar aggregate classification (germline): Likely benign. Review status: criteria provided, multiple submitters, no conflicts (2 of 4 stars). 3 submissions from 3 submitters: Likely benign (2). 1 of the submissions does not count toward it. Last evaluated 2023-06-24.

Conditions:
Dyskeratosis congenita. Identifiers: Orphanet 1775, MedGen C0265965, MONDO:0015780.
Dyskeratosis congenita, autosomal dominant 2. Identifiers: MedGen C3151443, MONDO:0013521, OMIM 613989.
Idiopathic Pulmonary Fibrosis. Also called: Idiopathic fibrosing alveolitis, chronic form; idiopathic fibrosing alveolitis. Identifiers: Orphanet 2032, MedGen C1800706, MeSH D054990, MONDO:0800504.
TERT-related disorder. Also called: TERT-related condition; TERT-related disorders.

gnomAD v4.1: 1 of 1,558,544 alleles (0.000064%); highest among the groups gnomAD compares: East Asian, 0.0024%; no homozygotes.

Submissions (3):

Labcorp Genetics (formerly Invitae), Labcorp
Classification: Likely benign for Dyskeratosis congenita, autosomal dominant 2; Idiopathic Pulmonary Fibrosis. Last evaluated: 2023-06-24. Review status: criteria provided, single submitter. Criteria: Invitae Variant Classification Sherloc (09022015). Collection method: clinical testing. Allele origin: germline.

Ambry Genetics
Classification: Likely benign for Dyskeratosis congenita. Last evaluated: 2019-07-12. Review status: criteria provided, single submitter. Criteria: Ambry Variant Classification Scheme 2023. Collection method: clinical testing. Allele origin: germline.

PreventionGenetics, part of Exact Sciences
Classification: Likely benign for TERT-related condition. Last evaluated: 2020-09-17. Review status: no assertion criteria provided. Collection method: clinical testing. Allele origin: germline. Not counted in ClinVar's aggregate classification.
Comment: This variant is classified as likely benign based on ACMG/AMP sequence variant interpretation guidelines (Richards et al. 2015 PMID: 25741868, with internal and published modifications).

NM_198253.3(TERT):c.1242G>T (p.Pro414=)

Gene: TERT (telomerase reverse transcriptase; minus strand). Cytogenetic location: 5p15.33.
Variant type: single nucleotide variant.
Coding change: c.1242G>T on transcript NM_198253.3 (MANE Select); coding-DNA position 1242, G replaced by T.
Protein change: p.Pro414=; no amino-acid change (proline 414 retained).
Molecular consequence: synonymous variant. On other transcripts: non-coding transcript variant (2).
Genome position (GRCh38, 1-based): chr5:1,293,644, C>A on the plus strand (G>T on the coding strand, the complement: TERT is on the minus strand). VCF-style: chr5-1293644-C-A. GRCh37 (hg19) VCF-style: chr5-1293759-C-A.
Other names: c.1242G>T, p.Pro414= (NM_001193376.3, NM_003219.1).
Identifiers: ClinVar variation 1758700 (VCV001758700.7), dbSNP rs775795705, ClinGen allele CA443240567.